The following is an entry in ClinVar:

ClinVar aggregate classification (germline): Likely benign (1 of 4 stars; one submission).

gnomAD v4.1: 243 of 1,598,524 alleles (0.015%); highest among the groups gnomAD compares: Non-Finnish European, 0.02%; 1 homozygote.

Submission:

CeGaT Center for Human Genetics Tuebingen
Classification: Likely benign. Last evaluated: 2024-10-01. Review status: criteria provided, single submitter. Criteria: CeGaT Center For Human Genetics Tuebingen Variant Classification Criteria Version 2. Collection method: clinical testing. Allele origin: germline. Affected: yes. Observed: 1 variant allele.
Comment: RALGAPA1: BP4, BP7

NM_001346249.2(RALGAPA1):c.7386C>G (p.Pro2462=)

Gene: RALGAPA1 (Ral GTPase activating protein catalytic subunit alpha 1; minus strand). Cytogenetic location: 14q13.2.
Variant type: single nucleotide variant.
Coding change: c.7386C>G on transcript NM_001346249.2 (MANE Select); coding-DNA position 7386, C replaced by G.
Protein change: p.Pro2462=; no amino-acid change (proline 2462 retained).
Molecular consequence: synonymous variant.
Genome position (GRCh38, 1-based): chr14:35,570,727, G>C on the plus strand (C>G on the coding strand, the complement: RALGAPA1 is on the minus strand). VCF-style: chr14-35570727-G-C. GRCh37 (hg19) VCF-style: chr14-36039933-G-C.
Other names: c.5907C>G, p.Pro1969= (NM_001283043.3); c.6009C>G, p.Pro2003= (NM_001283044.3, NM_001346245.2, NM_001346247.2); c.7245C>G, p.Pro2415= (NM_001330075.3, NM_001346248.2); c.5868C>G, p.Pro1956= (NM_001346243.2, NM_001346246.2, NM_014990.3 and 1 more transcripts).
Identifiers: ClinVar variation 3388778 (VCV003388778.14).
Genomic context (GRCh38, chr14:35,570,727, plus strand): 5'-AGCTGTTGCTCTAACCATAATGGGTAGAACCTTTCCATTCACAATAGCACCATCAAAAAG[G>C]GGACCAAAGAAGGGAACCTGATTGAGAAATCAGAACATAATTTTACATTCAAATTACAGA-3'
Protein context (NP_001333178.1, residues 2452-2472): MKKPEVPFFG[Pro2462=]LFDGAIVNGK